The following is an entry in ClinVar:

NM_001164508.2(NEB):c.8467G>A (p.Val2823Met)

Gene: NEB (nebulin; minus strand). Cytogenetic location: 2q23.3.
Variant type: single nucleotide variant.
Coding change: c.8467G>A on transcript NM_001164508.2 (MANE Select); coding-DNA position 8467, G replaced by A.
Protein change: p.Val2823Met; replaces valine 2823 with methionine.
Molecular consequence: missense variant.
Genome position (GRCh38, 1-based): chr2:151,640,573, C>T on the plus strand (G>A on the coding strand, the complement: NEB is on the minus strand). VCF-style: chr2-151640573-C-T. GRCh37 (hg19) VCF-style: chr2-152497087-C-T.
Other names: c.8467G>A (NM_004543.4); c.8467G>A, p.Val2823Met (NM_001164507.2, NM_001271208.2, NM_004543.5); short protein forms V2823M.
Identifiers: ClinVar variation 655891 (VCV000655891.7), dbSNP rs757497327, ClinGen allele CA1909571.

ClinVar aggregate classification (germline): Uncertain significance. Review status: criteria provided, multiple submitters, no conflicts (2 of 4 stars). 3 submissions from 3 submitters: Uncertain significance (2). 1 of the submissions does not count toward it. Last evaluated 2025-08-23.

Conditions:
Inborn genetic diseases. Identifiers: MedGen C0950123, MeSH D030342.
Nemaline myopathy 2 (NEM2). Also called: Nemaline myopathy 2, autosomal recessive. Identifiers: MedGen C1850569, MONDO:0009725, OMIM 256030.

Allele frequency attached by ClinVar (database versions not stated): TOPMed below 0.00001; ExAC 0.00001; gnomAD 0.00001; gnomAD exomes 0.00001 and 0.00003.
gnomAD v4.1: 37 of 1,613,790 alleles (0.0023%); highest among the groups gnomAD compares: Middle Eastern, 0.016%; no homozygotes.

Submissions (3):

Ambry Genetics
Classification: Uncertain significance for Inborn genetic diseases. Last evaluated: 2025-08-23. Review status: criteria provided, single submitter. Criteria: Ambry Variant Classification Scheme 2023. Collection method: clinical testing. Allele origin: germline.

Labcorp Genetics (formerly Invitae), Labcorp
Classification: Uncertain significance for Nemaline myopathy 2. Last evaluated: 2022-10-25. Review status: criteria provided, single submitter. Criteria: Invitae Variant Classification Sherloc (09022015). Collection method: clinical testing. Allele origin: germline.
Comment: This sequence change replaces valine, which is neutral and non-polar, with methionine, which is neutral and non-polar, at codon 2823 of the NEB protein (p.Val2823Met). This variant is present in population databases (rs757497327, gnomAD 0.01%). This variant has not been reported in the literature in individuals affected with NEB-related conditions. ClinVar contains an entry for this variant (Variation ID: 655891). Algorithms developed to predict the effect of missense changes on protein structure and function are either unavailable or do not agree on the potential impact of this missense change (SIFT: "Deleterious"; PolyPhen-2: "Not Available"; Align-GVGD: "Class C0"). In summary, the available evidence is currently insufficient to determine the role of this variant in disease. Therefore, it has been classified as a Variant of Uncertain Significance.

Natera, Inc.
Classification: Uncertain significance for Nemaline myopathy type 2. Last evaluated: 2020-11-03. Review status: no assertion criteria provided. Collection method: clinical testing. Allele origin: germline. Not counted in ClinVar's aggregate classification.